The following is an entry in ClinVar:

NM_031220.4(PITPNM3):c.236C>A (p.Thr79Asn)

Gene: PITPNM3 (PITPNM family member 3; minus strand). Cytogenetic location: 17p13.1.
Variant type: single nucleotide variant.
Coding change: c.236C>A on transcript NM_031220.4 (MANE Select); coding-DNA position 236, C replaced by A.
Protein change: p.Thr79Asn; replaces threonine 79 with asparagine.
Molecular consequence: missense variant.
Genome position (GRCh38, 1-based): chr17:6,503,565, G>T on the plus strand (C>A on the coding strand, the complement: PITPNM3 is on the minus strand). VCF-style: chr17-6503565-G-T. GRCh37 (hg19) VCF-style: chr17-6406885-G-T.
Other names: c.128C>A, p.Thr43Asn (NM_001165966.2); short protein forms T43N, T79N.
Identifiers: ClinVar variation 1001156 (VCV001001156.11), dbSNP rs773360479, ClinGen allele CA8329905.
Genomic context (GRCh38, chr17:6,503,565, plus strand): 5'-CACAGGGTCAGGCTTGACTCACGCTGCTTCTCCTGGAGGATGCTGGATGTGCACGGCGCG[G>T]TCCCTTCTCCTGCAGAAAAAGAAAAGAAACATGAGCAGATCCTTGACACTGTTGCCAGGC-3'
Protein context (NP_112497.2, residues 69-89): GKLDEHQGEG[Thr79Asn]APCTSSILQE

ClinVar aggregate classification (germline): Uncertain significance. Review status: criteria provided, multiple submitters, no conflicts (2 of 4 stars). 2 submissions from 2 submitters: Uncertain significance (2). Last evaluated 2024-03-05.

Allele frequency attached by ClinVar (database versions not stated): gnomAD exomes below 0.00001; ExAC 0.00001.

Submissions (2):

Blueprint Genetics
Classification: Uncertain significance. Last evaluated: 2024-03-05. Review status: criteria provided, single submitter. Criteria: ACMG Guidelines, 2015. Collection method: clinical testing. Allele origin: germline.

Labcorp Genetics (formerly Invitae), Labcorp
Classification: Uncertain significance. Last evaluated: 2022-10-25. Review status: criteria provided, single submitter. Criteria: Invitae Variant Classification Sherloc (09022015). Collection method: clinical testing. Allele origin: germline.
Comment: This sequence change replaces threonine, which is neutral and polar, with asparagine, which is neutral and polar, at codon 79 of the PITPNM3 protein (p.Thr79Asn). The frequency data for this variant in the population databases is considered unreliable, as metrics indicate poor data quality at this position in the gnomAD database. This variant has not been reported in the literature in individuals affected with PITPNM3-related conditions. ClinVar contains an entry for this variant (Variation ID: 1001156). Algorithms developed to predict the effect of missense changes on protein structure and function output the following: SIFT: "Tolerated"; PolyPhen-2: "Benign"; Align-GVGD: "Class C0". The asparagine amino acid residue is found in multiple mammalian species, which suggests that this missense change does not adversely affect protein function. In summary, the available evidence is currently insufficient to determine the role of this variant in disease. Therefore, it has been classified as a Variant of Uncertain Significance.